The following is an entry in ClinVar:

NM_001242896.3(DEPDC5):c.3319T>G (p.Phe1107Val)

Gene: DEPDC5 (DEP domain containing 5, GATOR1 subcomplex subunit; plus strand). Cytogenetic location: 22q12.3.
Variant type: single nucleotide variant.
Coding change: c.3319T>G on transcript NM_001242896.3 (MANE Select); coding-DNA position 3319, T replaced by G.
Protein change: p.Phe1107Val; replaces phenylalanine 1107 with valine.
Molecular consequence: missense variant. On other transcripts: non-coding transcript variant (2), intron variant (5).
Genome position (GRCh38, 1-based): chr22:31,861,422, T>G. VCF-style: chr22-31861422-T-G. GRCh37 (hg19) VCF-style: chr22-32257408-T-G.
Other names: c.3292T>G, p.Phe1098Val (NM_001136029.4); c.3085T>G, p.Phe1029Val (NM_001363854.2, NM_001364319.2); c.3319T>G, p.Phe1107Val (NM_001364318.2); c.3235T>G, p.Phe1079Val (NM_001369901.1, NM_001369902.1); c.3237+3869T>G (NM_014662.6, NM_001369903.1); c.3264+3869T>G (NM_001363852.2, NM_001364320.2); c.3030+3869T>G (NM_001242897.2); c.3319T>G (NM_001242896.1); short protein forms F1029V, F1079V, F1098V, F1107V.
Identifiers: ClinVar variation 2709773 (VCV002709773.4), dbSNP rs1481478267, ClinGen allele CA411294715.

ClinVar aggregate classification (germline): Uncertain significance. Review status: criteria provided, multiple submitters, no conflicts (2 of 4 stars). 2 submissions from 2 submitters: Uncertain significance (2). Last evaluated 2025-04-12.

Conditions:
Familial focal epilepsy with variable foci (FPEVF). Identifiers: Orphanet 98820, MedGen C1858477, MONDO:0020310.
Inborn genetic diseases. Identifiers: MedGen C0950123, MeSH D030342.

Submissions (2):

Ambry Genetics
Classification: Uncertain significance for Inborn genetic diseases. Last evaluated: 2025-04-12. Review status: criteria provided, single submitter. Criteria: Ambry Variant Classification Scheme 2023. Collection method: clinical testing. Allele origin: germline.

Labcorp Genetics (formerly Invitae), Labcorp
Classification: Uncertain significance for Familial focal epilepsy with variable foci. Last evaluated: 2024-01-17. Review status: criteria provided, single submitter. Criteria: Invitae Variant Classification Sherloc (09022015). Collection method: clinical testing. Allele origin: germline.
Comment: This sequence change replaces phenylalanine, which is neutral and non-polar, with valine, which is neutral and non-polar, at codon 1107 of the DEPDC5 protein (p.Phe1107Val). This variant is not present in population databases (gnomAD no frequency). This variant has not been reported in the literature in individuals affected with DEPDC5-related conditions. Experimental studies and prediction algorithms are not available or were not evaluated, and the functional significance of this variant is currently unknown. In summary, the available evidence is currently insufficient to determine the role of this variant in disease. Therefore, it has been classified as a Variant of Uncertain Significance.